The following continues an entry in ClinVar:

NM_000152.5(GAA):c.1556T>C (p.Met519Thr)

Gene: GAA. ClinVar aggregate classification (germline): Pathogenic. Pathogenic (1).

Submissions 10 to 12 of 12:

Broad Center for Mendelian Genomics, Broad Institute of MIT and Harvard
Classification: Likely pathogenic for Glycogen storage disease, type II. Last evaluated: 2020-01-29. Review status: criteria provided, single submitter. Criteria: ACMG Guidelines, 2015. Collection method: curation. Allele origin: germline. Inheritance: Autosomal recessive inheritance. Not counted in ClinVar's aggregate classification.
Comment: The p.Met519Thr variant in GAA has been reported in 3 individuals (1 Australian, 1 Dutch, and 1 Belgian) with Glycogen Storage Disease II (PMID: 14695532), and has been identified in 0.003% (1/30616) of South Asian chromosomes and 0.001% (1/113600) of European (non-Finnish) chromosomes by the Genome Aggregation Database (gnomAD; dbSNP rs786204720). Although this variant has been seen in the general population, its frequency is low enough to be consistent with a recessive carrier frequency. This variant has also been reported likely pathogenic by Counsyl and a VUS by EGL in ClinVar (Variation ID: 189124). This variant is located in the highly conserved GH31 motif, a region involved in substrate binding (PMID: 19862843, 15501829). In vitro functional studies provide some evidence that the p.Met519Thr variant may impact protein function (PMID: 19862843, 14695532). However, these types of assays may not accurately represent biological function. Computational prediction tools and conservation analyses suggest that this variant may impact the protein, though this information is not predictive enough to determine pathogenicity. One additional variant at the the same position, p.Met519Val, has been reported in association with disease in the literature, slightly supporting that a change at this position may not be tolerated (PMID: 19862843, 14695532). In summary, although additional studies are required to fully establish its clinical significance, this variant is likely pathogenic. ACMG/AMP Criteria applied: PS3, PM2, PP3, PM5_Supporting (Richards 2015).

Eurofins Ntd Llc (ga)
Classification: Uncertain significance. Last evaluated: 2016-11-02. Review status: criteria provided, single submitter. Criteria: EGL Classification Definitions 2015. Collection method: clinical testing. Allele origin: germline. Observed: 1 variant allele, 1 heterozygote. Not counted in ClinVar's aggregate classification.

Counsyl
Classification: Likely pathogenic for Glycogen storage disease, type II. Last evaluated: 2015-01-14. Review status: no assertion criteria provided. Collection method: literature only. Allele origin: unknown. Inheritance: Autosomal recessive inheritance. Not counted in ClinVar's aggregate classification.

Literature cited by the submitters: PubMed 33741225 (cited by Genomenon, Inc and Labcorp Genetics (formerly Invitae), Labcorp); PubMed 31193175 (cited by Genomenon, Inc); PubMed 14695532 (cited by 3 submitters); PubMed 19862843 (cited by 3 submitters); PubMed 31086307 (cited by Labcorp Genetics (formerly Invitae), Labcorp); PubMed 31439017 (cited by Labcorp Genetics (formerly Invitae), Labcorp); PubMed 31965297 (cited by Labcorp Genetics (formerly Invitae), Labcorp and 3billion); PubMed 7866409 (cited by 3billion); PubMed 15501829 (cited by Counsyl); PubMed 7603530 (cited by Counsyl).